The following is an entry in ClinVar:

NM_017570.5(OPLAH):c.2957C>T (p.Ser986Leu)

Gene: OPLAH (5-oxoprolinase, ATP-hydrolysing; minus strand). Cytogenetic location: 8q24.3.
Variant type: single nucleotide variant.
Coding change: c.2957C>T on transcript NM_017570.5 (MANE Select); coding-DNA position 2957, C replaced by T.
Protein change: p.Ser986Leu; replaces serine 986 with leucine.
Molecular consequence: missense variant.
Genome position (GRCh38, 1-based): chr8:144,053,044, G>A on the plus strand (C>T on the coding strand, the complement: OPLAH is on the minus strand). VCF-style: chr8-144053044-G-A. GRCh37 (hg19) VCF-style: chr8-145107947-G-A.
Other names: short protein forms S986L.
Identifiers: ClinVar variation 1427039 (VCV001427039.6), dbSNP rs1332726078, ClinGen allele CA372537258.

ClinVar aggregate classification (germline): Uncertain significance (1 of 4 stars; one submission).

Conditions:
5-Oxoprolinase deficiency (OPLAHD). Also called: 5-OXOPROLINURIA DUE TO 5-OXOPROLINASE DEFICIENCY. Identifiers: Orphanet 33572, MedGen C0268525, MONDO:0009825, OMIM 260005, HP:0040142.

Allele frequency attached by ClinVar (database versions not stated): gnomAD exomes below 0.00001; TOPMed 0.00001; gnomAD 0.00002.
gnomAD v4.1: 30 of 1,603,076 alleles (0.0019%); highest among the groups gnomAD compares: Middle Eastern, 0.016%; no homozygotes.

Submission:

Labcorp Genetics (formerly Invitae), Labcorp
Classification: Uncertain significance for 5-Oxoprolinase deficiency. Last evaluated: 2022-06-27. Review status: criteria provided, single submitter. Criteria: Invitae Variant Classification Sherloc (09022015). Collection method: clinical testing. Allele origin: germline.
Comment: This sequence change replaces serine, which is neutral and polar, with leucine, which is neutral and non-polar, at codon 986 of the OPLAH protein (p.Ser986Leu). In summary, the available evidence is currently insufficient to determine the role of this variant in disease. Therefore, it has been classified as a Variant of Uncertain Significance. Experimental studies and prediction algorithms are not available or were not evaluated, and the functional significance of this variant is currently unknown. This variant has not been reported in the literature in individuals affected with OPLAH-related conditions. This variant is present in population databases (no rsID available, gnomAD 0.009%).